The following is an entry in ClinVar:

NM_001023.4(RPS20):c.100A>G (p.Lys34Glu)

Gene: RPS20 (ribosomal protein S20; minus strand). Cytogenetic location: 8q12.1.
Variant type: single nucleotide variant.
Coding change: c.100A>G on transcript NM_001023.4 (MANE Select); coding-DNA position 100, A replaced by G.
Protein change: p.Lys34Glu; replaces lysine 34 with glutamic acid.
Molecular consequence: missense variant.
Genome position (GRCh38, 1-based): chr8:56,074,063, T>C on the plus strand (A>G on the coding strand, the complement: RPS20 is on the minus strand). VCF-style: chr8-56074063-T-C. GRCh37 (hg19) VCF-style: chr8-56986622-T-C.
Other names: c.100A>G, p.Lys34Glu (NM_001146227.3); short protein forms K34E.
Identifiers: ClinVar variation 4863487 (VCV004863487.1).

ClinVar aggregate classification (germline): Uncertain significance (1 of 4 stars; one submission).

Submission:

Ambry Genetics
Classification: Uncertain significance. Last evaluated: 2026-04-02. Review status: criteria provided, single submitter. Criteria: Ambry Variant Classification Scheme 2023. Collection method: clinical testing. Allele origin: germline.
Comment: The p.K34E variant (also known as c.100A>G), located in coding exon 2 of the RPS20 gene, results from an A to G substitution at nucleotide position 100. The lysine at codon 34 is replaced by glutamic acid, an amino acid with similar properties. This amino acid position is conserved. In addition, this alteration is predicted to be deleterious by in silico analysis. Based on the available evidence, the clinical significance of this variant remains unclear.